The following is an entry in ClinVar:

NM_001253697.2(ERBIN):c.2539T>G (p.Leu847Val)

Gene: ERBIN (erbb2 interacting protein; plus strand). Cytogenetic location: 5q12.3.
Variant type: single nucleotide variant.
Coding change: c.2539T>G on transcript NM_001253697.2 (MANE Select); coding-DNA position 2539, T replaced by G.
Protein change: p.Leu847Val; replaces leucine 847 with valine.
Molecular consequence: missense variant.
Genome position (GRCh38, 1-based): chr5:66,053,857, T>G. VCF-style: chr5-66053857-T-G. GRCh37 (hg19) VCF-style: chr5-65349685-T-G.
Other names: c.2539T>G, p.Leu847Val (NM_001006600.3, NM_001253698.2, NM_001253699.2 and 1 more transcripts); c.2527T>G, p.Leu843Val (NM_001253701.2); short protein forms L843V, L847V.
Identifiers: ClinVar variation 1025520 (VCV001025520.9), dbSNP rs202085007, ClinGen allele CA3286508.

ClinVar aggregate classification (germline): Uncertain significance (1 of 4 stars; one submission).

Allele frequency attached by ClinVar (database versions not stated): gnomAD 0.00001 and 0.00003; gnomAD exomes 0.00003; TOPMed 0.00003; ExAC 0.00005; 1000 Genomes Project 0.00020; 1000 Genomes Project 30x 0.00031.

Submission:

Labcorp Genetics (formerly Invitae), Labcorp
Classification: Uncertain significance. Last evaluated: 2025-08-03. Review status: criteria provided, single submitter. Criteria: Invitae Variant Classification Sherloc (09022015). Collection method: clinical testing. Allele origin: germline.
Comment: This sequence change replaces leucine, which is neutral and non-polar, with valine, which is neutral and non-polar, at codon 847 of the ERBIN protein (p.Leu847Val). This variant is present in population databases (rs202085007, gnomAD 0.05%). This variant has not been reported in the literature in individuals affected with ERBIN-related conditions. ClinVar contains an entry for this variant (Variation ID: 1025520). An algorithm developed to predict the effect of missense changes on protein structure and function outputs the following: PolyPhen-2: "Benign". The valine amino acid residue is found in multiple mammalian species, which suggests that this missense change does not adversely affect protein function. In summary, the available evidence is currently insufficient to determine the role of this variant in disease. Therefore, it has been classified as a Variant of Uncertain Significance.